The following is an entry in ClinVar:

NM_001377458.1(CLCC1):c.92A>G (p.Asn31Ser)

Gene: CLCC1 (chloride channel CLIC like 1; minus strand). Cytogenetic location: 1p13.3.
Variant type: single nucleotide variant.
Coding change: c.92A>G on transcript NM_001377458.1 (MANE Select); coding-DNA position 92, A replaced by G.
Protein change: p.Asn31Ser; replaces asparagine 31 with serine.
Molecular consequence: missense variant. On other transcripts: 5 prime UTR variant (1), non-coding transcript variant (1).
Genome position (GRCh38, 1-based): chr1:108,950,346, T>C on the plus strand (A>G on the coding strand, the complement: CLCC1 is on the minus strand). VCF-style: chr1-108950346-T-C. GRCh37 (hg19) VCF-style: chr1-109492968-T-C.
Other names: c.92A>G, p.Asn31Ser (NM_001048210.3, NM_001278202.2, NM_001278203.1 and 12 more transcripts); c.-371A>G (NM_001377470.1); short protein forms N31S.
Identifiers: ClinVar variation 1057834 (VCV001057834.5), dbSNP rs2101684442, ClinGen allele CA341466693.

ClinVar aggregate classification (germline): Uncertain significance (1 of 4 stars; one submission).

Allele frequency attached by ClinVar (database versions not stated): gnomAD exomes below 0.00001.
gnomAD v4.1: 1 of 1,613,362 alleles (0.000062%); highest among the groups gnomAD compares: East Asian, 0.0022%; no homozygotes.

Submission:

Labcorp Genetics (formerly Invitae), Labcorp
Classification: Uncertain significance. Last evaluated: 2022-02-08. Review status: criteria provided, single submitter. Criteria: Invitae Variant Classification Sherloc (09022015). Collection method: clinical testing. Allele origin: germline.
Comment: This sequence change replaces asparagine, which is neutral and polar, with serine, which is neutral and polar, at codon 31 of the CLCC1 protein (p.Asn31Ser). This missense change has been observed in individual(s) with clinical features of CLCC1-related conditions (Invitae). This variant is not present in population databases (gnomAD no frequency). ClinVar contains an entry for this variant (Variation ID: 1057834). Algorithms developed to predict the effect of missense changes on protein structure and function are either unavailable or do not agree on the potential impact of this missense change (SIFT: "Deleterious"; PolyPhen-2: "Probably Damaging"; Align-GVGD: "Class C0"). In summary, the available evidence is currently insufficient to determine the role of this variant in disease. Therefore, it has been classified as a Variant of Uncertain Significance.